The following is an entry in ClinVar:

ClinVar aggregate classification (germline): Likely pathogenic (1 of 4 stars; one submission).

Conditions:
Cardiovascular phenotype. Identifiers: MedGen CN230736.

Submission:

Ambry Genetics
Classification: Likely pathogenic for Cardiovascular phenotype. Last evaluated: 2026-07-01. Review status: criteria provided, single submitter. Criteria: Ambry Variant Classification Scheme 2023. Collection method: clinical testing. Allele origin: germline.
Comment: The c.12dupC variant, located in coding exon 1 of the EFEMP2 gene, results from a duplication of C at nucleotide position 12, causing a translational frameshift with a predicted alternate stop codon (p.A5Rfs*27). The predicted stop codon occurs in the 5&rsquo; end of thegene. Premature termination codons in the 5&rsquo; end of a gene have been reported to escape nonsense-mediated mRNAdecay and/or lead to re-initiation (Rivas et al. Science. 2015 May 8;348(6235):666-9; Lindeboom et al. Nat Genet. 2016 Oct;48(10):1112-8; Rhee et al. Sci Rep. 2017 May 10;7(1):1653). Direct evidence for this variant is unavailable, however premature termination codons are typically deleterious in nature. This variant is considered to be rare based on population cohorts in the Genome Aggregation Database (gnomAD). Based on the majority of available evidence to date, this variant is likely to be pathogenic.

NM_016938.5(EFEMP2):c.12dup (p.Ala5fs)

Gene: EFEMP2 (EGF-like fibulin extracellular matrix protein 2; minus strand). Cytogenetic location: 11q13.1.
Variant type: Duplication.
Coding change: c.12dup on transcript NM_016938.5 (MANE Select); coding-DNA position 12, one base duplicated (C; older notation c.12dupC).
Protein change: p.Ala5fs; shifts the reading frame from alanine 5.
Molecular consequence: frameshift variant. On other transcripts: non-coding transcript variant (1).
Genome position (GRCh38, 1-based): chr11:65,872,343, G duplicated on the plus strand (C on the coding strand, the reverse complement: EFEMP2 is on the minus strand). VCF-style (leftmost placement, unchanged base first): chr11-65872342-C-CG. GRCh37 (hg19) VCF-style: chr11-65639813-C-CG.
Other names: short protein forms A5fs.
Identifiers: ClinVar variation 5035725 (VCV005035725.1).
Genomic context (GRCh38, chr11:65,872,342, plus strand): 5'-CTGATCCCAAGAGCAACAGTAGCAGCGCCCAGAGCAGTAGAGACCCGGGTAGGCAGGAGG[C>CG]GCAGGGGAGCATCCTGGGGCTGCGAGATGGTGGACACGGGTCAGGGGCCTCTGCCCGCGG-3'